The following is an entry in ClinVar:

NM_001378452.1(ITPR1):c.3602G>A (p.Ser1201Asn)

Gene: ITPR1 (inositol 1,4,5-trisphosphate receptor type 1; plus strand). Cytogenetic location: 3p26.1.
Variant type: single nucleotide variant.
Coding change: c.3602G>A on transcript NM_001378452.1 (MANE Select); coding-DNA position 3602, G replaced by A.
Protein change: p.Ser1201Asn; replaces serine 1201 with asparagine.
Molecular consequence: missense variant.
Genome position (GRCh38, 1-based): chr3:4,685,106, G>A. VCF-style: chr3-4685106-G-A. GRCh37 (hg19) VCF-style: chr3-4726790-G-A.
Other names: c.3575G>A, p.Ser1192Asn (NM_001099952.4); c.3557G>A, p.Ser1186Asn (NM_001168272.2); c.3530G>A, p.Ser1177Asn (NM_002222.7); short protein forms S1192N, S1186N, S1201N, S1177N.
Identifiers: ClinVar variation 2131571 (VCV002131571.4), dbSNP rs2469800393, ClinGen allele CA351651521.

ClinVar aggregate classification (germline): Uncertain significance (1 of 4 stars; one submission).

Submission:

Labcorp Genetics (formerly Invitae), Labcorp
Classification: Uncertain significance. Last evaluated: 2024-10-22. Review status: criteria provided, single submitter. Criteria: Invitae Variant Classification Sherloc (09022015). Collection method: clinical testing. Allele origin: germline.
Comment: This sequence change replaces serine, which is neutral and polar, with asparagine, which is neutral and polar, at codon 1177 of the ITPR1 protein (p.Ser1177Asn). This variant is not present in population databases (gnomAD no frequency). This variant has not been reported in the literature in individuals affected with ITPR1-related conditions. ClinVar contains an entry for this variant (Variation ID: 2131571). An algorithm developed to predict the effect of missense changes on protein structure and function (PolyPhen-2) suggests that this variant is likely to be tolerated. In summary, the available evidence is currently insufficient to determine the role of this variant in disease. Therefore, it has been classified as a Variant of Uncertain Significance.